The following is an entry in ClinVar:

ClinVar aggregate classification (germline): Uncertain significance (1 of 4 stars; one submission).

Conditions:
Cardiovascular phenotype. Identifiers: MedGen CN230736.

Submission:

Ambry Genetics
Classification: Uncertain significance for Cardiovascular phenotype. Last evaluated: 2025-05-08. Review status: criteria provided, single submitter. Criteria: Ambry Variant Classification Scheme 2023. Collection method: clinical testing. Allele origin: germline.
Comment: The p.D2903G variant (also known as c.8708A>G), located in coding exon 24 of the TNXB gene, results from an A to G substitution at nucleotide position 8708. The aspartic acid at codon 2903 is replaced by glycine, an amino acid with similar properties. This amino acid position is conserved. In addition, this alteration is predicted to be tolerated by in silico analysis. Based on the available evidence, the clinical significance of this variant remains unclear.

NM_001365276.2(TNXB):c.8714A>G (p.Asp2905Gly)

Gene: TNXB (tenascin XB; minus strand). Cytogenetic location: 6p21.33.
Variant type: single nucleotide variant.
Coding change: c.8714A>G on transcript NM_001365276.2 (MANE Select); coding-DNA position 8714, A replaced by G.
Protein change: p.Asp2905Gly; replaces aspartic acid 2905 with glycine.
Molecular consequence: missense variant.
Genome position (GRCh38, 1-based): chr6:32,053,465, T>C on the plus strand (A>G on the coding strand, the complement: TNXB is on the minus strand). VCF-style: chr6-32053465-T-C. GRCh37 (hg19) VCF-style: chr6-32021242-T-C.
Other names: c.9455A>G, p.Asp3152Gly (NM_001428335.1); c.8708A>G, p.Asp2903Gly (NM_019105.8); short protein forms D2905G, D3152G, D2903G.
Identifiers: ClinVar variation 3972023 (VCV003972023.1).